The following is an entry in ClinVar:

ClinVar aggregate classification (germline): Uncertain significance. Review status: criteria provided, multiple submitters, no conflicts (2 of 4 stars). 2 submissions from 2 submitters: Uncertain significance (2). Last evaluated 2025-10-10.

Conditions:
Cardiovascular phenotype. Identifiers: MedGen CN230736.

Submissions (2):

Ambry Genetics
Classification: Uncertain significance for Cardiovascular phenotype. Last evaluated: 2025-10-10. Review status: criteria provided, single submitter. Criteria: Ambry Variant Classification Scheme 2023. Collection method: clinical testing. Allele origin: germline.
Comment: The p.Y1852S variant (also known as c.5555A>C), located in coding exon 35 of the MYH7 gene, results from an A to C substitution at nucleotide position 5555. The tyrosine at codon 1852 is replaced by serine, an amino acid with dissimilar properties. This amino acid position is highly conserved in available vertebrate species. In addition, this alteration is predicted to be deleterious by in silico analysis. Based on the available evidence, the clinical significance of this variant remains unclear.

GeneDx
Classification: Uncertain significance. Last evaluated: 2017-07-11. Review status: criteria provided, single submitter. Criteria: GeneDx Variant Classification (06012015). Collection method: clinical testing. Allele origin: germline. Affected: yes.
Comment: A variant of uncertain significance has been identified in the MYH7 gene. The Y1852S variant has not been published as pathogenic or been reported as benign to our knowledge. This variant is not observed in large population cohorts (Lek et al., 2016; 1000 Genomes Consortium et al., 2015; Exome Variant Server). The Y1852S variant is a semi-conservative amino acid substitution, which may impact secondary protein structure as these residues differ in some properties. This substitution occurs at a position that is conserved across species. In silico analysis predicts this variant is probably damaging to the protein structure/function. However, this variant lacks observation in a significant number of affected individuals, segregation data, and functional evidence, which would further clarify its pathogenicity.

NM_000257.4(MYH7):c.5555A>C (p.Tyr1852Ser)

Gene: MYH7 (myosin heavy chain 7; minus strand). Cytogenetic location: 14q11.2.
Variant type: single nucleotide variant.
Coding change: c.5555A>C on transcript NM_000257.4 (MANE Select); coding-DNA position 5555, A replaced by C.
Protein change: p.Tyr1852Ser; replaces tyrosine 1852 with serine.
Molecular consequence: missense variant.
Genome position (GRCh38, 1-based): chr14:23,414,999, T>G on the plus strand (A>C on the coding strand, the complement: MYH7 is on the minus strand). VCF-style: chr14-23414999-T-G. GRCh37 (hg19) VCF-style: chr14-23884208-T-G.
Other names: c.5555A>C (LRG_384t1); short protein forms Y1852S.
Identifiers: ClinVar variation 450412 (VCV000450412.3), dbSNP rs1555336125, ClinGen allele CA389035004.